The following is an entry in ClinVar:

ClinVar aggregate classification (germline): Uncertain significance (1 of 4 stars; one submission).

Conditions:
Seizures, benign familial infantile, 3 (BFIS3). Also called: CONVULSIONS, BENIGN FAMILIAL INFANTILE, 3; Familial neonatal seizures. Identifiers: Orphanet 140927, Orphanet 306, MedGen C1843140, MONDO:0011904, OMIM 607745.
Developmental and epileptic encephalopathy, 11 (DEE11). Also called: Early infantile epileptic encephalopathy 11. Identifiers: Orphanet 1934, MedGen C3150987, MONDO:0013388, OMIM 613721.

Submission:

Labcorp Genetics (formerly Invitae), Labcorp
Classification: Uncertain significance for Seizures, benign familial infantile, 3; Developmental and epileptic encephalopathy, 11. Last evaluated: 2022-08-31. Review status: criteria provided, single submitter. Criteria: Invitae Variant Classification Sherloc (09022015). Collection method: clinical testing. Allele origin: germline.
Comment: This variant is not present in population databases (gnomAD no frequency). This sequence change replaces asparagine, which is neutral and polar, with lysine, which is basic and polar, at codon 1055 of the SCN2A protein (p.Asn1055Lys). In summary, the available evidence is currently insufficient to determine the role of this variant in disease. Therefore, it has been classified as a Variant of Uncertain Significance. Algorithms developed to predict the effect of missense changes on protein structure and function are either unavailable or do not agree on the potential impact of this missense change (SIFT: "Deleterious"; PolyPhen-2: "Benign"; Align-GVGD: "Class C0"). This variant has not been reported in the literature in individuals affected with SCN2A-related conditions.

NM_001040142.2(SCN2A):c.3165C>A (p.Asn1055Lys)

Gene: SCN2A (sodium voltage-gated channel alpha subunit 2; plus strand). Cytogenetic location: 2q24.3.
Variant type: single nucleotide variant.
Coding change: c.3165C>A on transcript NM_001040142.2 (MANE Select); coding-DNA position 3165, C replaced by A.
Protein change: p.Asn1055Lys; replaces asparagine 1055 with lysine.
Molecular consequence: missense variant.
Genome position (GRCh38, 1-based): chr2:165,354,437, C>A. VCF-style: chr2-165354437-C-A. GRCh37 (hg19) VCF-style: chr2-166210947-C-A.
Other names: c.3165C>A, p.Asn1055Lys (NM_001040143.2, NM_001371246.1, NM_001371247.1 and 1 more transcripts); short protein forms N1055K.
Identifiers: ClinVar variation 1718443 (VCV001718443.6), dbSNP rs2468036208, ClinGen allele CA349020899.